The following is an entry in ClinVar:

NM_014363.6(SACS):c.6640C>T (p.Arg2214Cys)

Gene: SACS (sacsin molecular chaperone; minus strand). Cytogenetic location: 13q12.12.
Variant type: single nucleotide variant.
Coding change: c.6640C>T on transcript NM_014363.6 (MANE Select); coding-DNA position 6640, C replaced by T.
Protein change: p.Arg2214Cys; replaces arginine 2214 with cysteine.
Molecular consequence: missense variant.
Genome position (GRCh38, 1-based): chr13:23,337,236, G>A on the plus strand (C>T on the coding strand, the complement: SACS is on the minus strand). VCF-style: chr13-23337236-G-A. GRCh37 (hg19) VCF-style: chr13-23911375-G-A.
Other names: c.6199C>T, p.Arg2067Cys (NM_001278055.2); c.6640C>T (NM_014363.4); short protein forms R2214C, R2067C.
Identifiers: ClinVar variation 458272 (VCV000458272.14), dbSNP rs138379074, ClinGen allele CA6911049.

ClinVar aggregate classification (germline): Conflicting classifications of pathogenicity. Review status: criteria provided, conflicting classifications (1 of 4 stars). 6 submissions from 6 submitters: Uncertain significance (4); Likely benign (1). 1 of the submissions does not count toward it. Last evaluated 2025-10-30.

Conditions:
Charlevoix-Saguenay spastic ataxia (SACS). Also called: SPASTIC ATAXIA 6, AUTOSOMAL RECESSIVE; AUTOSOMAL RECESSIVE SPASTIC ATAXIA OF CHARLEVOIX-SAGUENAY; Spastic ataxia of Charlevoix-Saguenay. Identifiers: Orphanet 98, MedGen C1849140, MONDO:0010041, OMIM 270550.
Inborn genetic diseases. Identifiers: MedGen C0950123, MeSH D030342.
Spastic paraplegia. Identifiers: MedGen C0037772, HP:0001258.

Allele frequency attached by ClinVar (database versions not stated): TOPMed 0.00016; gnomAD 0.00017; ESP Exome Variant Server 0.00023.
gnomAD v4.1: 272 of 1,613,834 alleles (0.017%); highest among the groups gnomAD compares: African/African-American, 0.024%; no homozygotes.

Submissions (6):

Labcorp Genetics (formerly Invitae), Labcorp
Classification: Likely benign for Spastic paraplegia. Last evaluated: 2025-10-30. Review status: criteria provided, single submitter. Criteria: Invitae Variant Classification Sherloc (09022015). Collection method: clinical testing. Allele origin: germline.

Ambry Genetics
Classification: Uncertain significance for Inborn genetic diseases. Last evaluated: 2024-04-23. Review status: criteria provided, single submitter. Criteria: Ambry Variant Classification Scheme 2023. Collection method: clinical testing. Allele origin: germline.

Athena Diagnostics
Classification: Uncertain significance. Last evaluated: 2023-11-09. Review status: criteria provided, single submitter. Criteria: Athena Diagnostics Criteria. Collection method: clinical testing. Allele origin: unknown.
Comment: Available data are insufficient to determine the clinical significance of the variant at this time. The frequency of this variant in the general population is uninformative in assessment of its pathogenicity. Computational tools predict that this variant is not damaging.

Genome-Nilou Lab
Classification: Uncertain significance for Charlevoix-Saguenay spastic ataxia. Last evaluated: 2021-09-05. Review status: criteria provided, single submitter. Criteria: ACMG Guidelines, 2015. Collection method: clinical testing. Allele origin: germline. Affected: no.

Fulgent Genetics
Classification: Uncertain significance for Charlevoix-Saguenay spastic ataxia. Last evaluated: 2018-10-31. Review status: criteria provided, single submitter. Criteria: ACMG Guidelines, 2015. Collection method: clinical testing. Allele origin: unknown.

Natera, Inc.
Classification: Uncertain significance for Charlevoix-Saguenay type spastic ataxia. Last evaluated: 2020-09-16. Review status: no assertion criteria provided. Collection method: clinical testing. Allele origin: germline. Not counted in ClinVar's aggregate classification.